The following is an entry in ClinVar:

ClinVar aggregate classification (germline): Uncertain significance. Review status: criteria provided, multiple submitters, no conflicts (2 of 4 stars). 2 submissions from 2 submitters: Uncertain significance (2). Last evaluated 2024-10-22.

Conditions:
Inborn genetic diseases. Identifiers: MedGen C0950123, MeSH D030342.

Allele frequency attached by ClinVar (database versions not stated): TOPMed below 0.00001.
gnomAD v4.1: 12 of 1,532,716 alleles (0.00078%); highest among the groups gnomAD compares: Non-Finnish European, 0.0011%; no homozygotes.

Submissions (2):

Labcorp Genetics (formerly Invitae), Labcorp
Classification: Uncertain significance. Last evaluated: 2024-10-22. Review status: criteria provided, single submitter. Criteria: Invitae Variant Classification Sherloc (09022015). Collection method: clinical testing. Allele origin: germline.
Comment: This sequence change replaces arginine, which is basic and polar, with glutamine, which is neutral and polar, at codon 772 of the CACNA1E protein (p.Arg772Gln). This variant is not present in population databases (gnomAD no frequency). This variant has not been reported in the literature in individuals affected with CACNA1E-related conditions. Invitae Evidence Modeling of protein sequence and biophysical properties (such as structural, functional, and spatial information, amino acid conservation, physicochemical variation, residue mobility, and thermodynamic stability) has been performed for this missense variant. However, the output from this modeling did not meet the statistical confidence thresholds required to predict the impact of this variant on CACNA1E protein function. In summary, the available evidence is currently insufficient to determine the role of this variant in disease. Therefore, it has been classified as a Variant of Uncertain Significance.

Ambry Genetics
Classification: Uncertain significance for Inborn genetic diseases. Last evaluated: 2024-08-10. Review status: criteria provided, single submitter. Criteria: Ambry Variant Classification Scheme 2023. Collection method: clinical testing. Allele origin: germline.

NM_001205293.3(CACNA1E):c.2315G>A (p.Arg772Gln)

Gene: CACNA1E (calcium voltage-gated channel subunit alpha1 E; plus strand). Cytogenetic location: 1q25.3.
Variant type: single nucleotide variant.
Coding change: c.2315G>A on transcript NM_001205293.3 (MANE Select); coding-DNA position 2315, G replaced by A.
Protein change: p.Arg772Gln; replaces arginine 772 with glutamine.
Molecular consequence: missense variant.
Genome position (GRCh38, 1-based): chr1:181,732,401, G>A. VCF-style: chr1-181732401-G-A. GRCh37 (hg19) VCF-style: chr1-181701537-G-A.
Other names: c.2315G>A (NM_001205293.1); c.2315G>A, p.Arg772Gln (NM_000721.4); c.2258G>A, p.Arg753Gln (NM_001205294.2); short protein forms R772Q, R753Q.
Identifiers: ClinVar variation 3006320 (VCV003006320.4), dbSNP rs769781251, ClinGen allele CA33815597.